The following is an entry in ClinVar:

NM_001365999.1(SZT2):c.9839A>G (p.Lys3280Arg)

Genes: SZT2 (SZT2 subunit of KICSTOR complex; plus strand), SZT2-AS1 (SZT2 antisense RNA 1; minus strand). Cytogenetic location: 1p34.2.
Variant type: single nucleotide variant.
Coding change: c.9839A>G on transcript NM_001365999.1 (MANE Select); coding-DNA position 9839, A replaced by G.
Protein change: p.Lys3280Arg; replaces lysine 3280 with arginine.
Molecular consequence: missense variant. On other transcripts: non-coding transcript variant (1).
Genome position (GRCh38, 1-based): chr1:43,448,354, A>G. VCF-style: chr1-43448354-A-G. GRCh37 (hg19) VCF-style: chr1-43914025-A-G.
Other names: c.9668A>G, p.Lys3223Arg (NM_015284.4); short protein forms K3223R, K3280R.
Identifiers: ClinVar variation 3768881 (VCV003768881.1).

ClinVar aggregate classification (germline): Uncertain significance (1 of 4 stars; one submission).

Submission:

Women's Health and Genetics/Laboratory Corporation of America, LabCorp
Classification: Uncertain significance. Last evaluated: 2025-02-21. Review status: criteria provided, single submitter. Criteria: LabCorp Variant Classification Summary - May 2015. Collection method: clinical testing. Allele origin: germline.
Comment: Variant summary: SZT2 c.9668A>G (p.Lys3223Arg) results in a conservative amino acid change in the encoded protein sequence. Four of five in-silico tools predict a benign effect of the variant on protein function. The variant was absent in 159300 control chromosomes. The available data on variant occurrences in the general population are insufficient to allow any conclusion about variant significance. To our knowledge, no occurrence of c.9668A>G in individuals affected with Early Infantile Epileptic Encephalopathy 18 and no experimental evidence demonstrating its impact on protein function have been reported. No submitters have cited clinical-significance assessments for this variant to ClinVar. Based on the evidence outlined above, the variant was classified as uncertain significance.